The following is an entry in ClinVar:

ClinVar aggregate classification (germline): Likely pathogenic (1 of 4 stars; one submission).

Submission:

CeGaT Center for Human Genetics Tuebingen
Classification: Likely pathogenic. Last evaluated: 2026-02-01. Review status: criteria provided, single submitter. Criteria: CeGaT Center For Human Genetics Tuebingen Variant Classification Criteria Version 2. Collection method: clinical testing. Allele origin: germline. Affected: yes. Observed: 2 variant alleles.
Comment: RHO: PM1, PM2, PM5, PS4:Moderate

NM_000539.3(RHO):c.44A>T (p.Asn15Ile)

Gene: RHO (rhodopsin; plus strand). Cytogenetic location: 3q22.1.
Variant type: single nucleotide variant.
Coding change: c.44A>T on transcript NM_000539.3 (MANE Select); coding-DNA position 44, A replaced by T.
Protein change: p.Asn15Ile; replaces asparagine 15 with isoleucine.
Molecular consequence: missense variant.
Genome position (GRCh38, 1-based): chr3:129,528,777, A>T. VCF-style: chr3-129528777-A-T. GRCh37 (hg19) VCF-style: chr3-129247620-A-T.
Other names: short protein forms N15I.
Identifiers: ClinVar variation 872602 (VCV000872602.41), dbSNP rs104893786, ClinGen allele CA354495329.